The following is an entry in ClinVar:

ClinVar aggregate classification (germline): Uncertain significance. Review status: criteria provided, multiple submitters, no conflicts (2 of 4 stars). 5 submissions from 5 submitters: Uncertain significance (5). Last evaluated 2023-11-03.

Conditions:
Aortic aneurysm, familial thoracic 7 (AAT7). Also called: AORTIC DISSECTION, FAMILIAL, WITH OR WITHOUT AORTIC ANEURYSM. Identifiers: MedGen C3151077, MONDO:0013418, OMIM 613780.
Megacystis-microcolon-intestinal hypoperistalsis syndrome 1. Identifiers: MedGen C5542316, MONDO:0100354, OMIM 249210.
Familial thoracic aortic aneurysm and aortic dissection (TAAD). Also called: Thoracic aortic aneurysms and dissections. Identifiers: Orphanet 91387, MedGen C4707243, MONDO:0019625.

Allele frequency attached by ClinVar (database versions not stated): gnomAD 0.00003 and 0.00004; TOPMed 0.00003; ExAC 0.00004; gnomAD exomes 0.00006.
gnomAD v4.1: 24 of 1,613,746 alleles (0.0015%); highest among the groups gnomAD compares: Admixed American, 0.04%; no homozygotes.

Submissions (5):

Labcorp Genetics (formerly Invitae), Labcorp
Classification: Uncertain significance for Aortic aneurysm, familial thoracic 7. Last evaluated: 2023-11-03. Review status: criteria provided, single submitter. Criteria: Invitae Variant Classification Sherloc (09022015). Collection method: clinical testing. Allele origin: germline.
Comment: This sequence change replaces glycine, which is neutral and non-polar, with glutamic acid, which is acidic and polar, at codon 1083 of the MYLK protein (p.Gly1083Glu). This variant is present in population databases (rs762030142, gnomAD 0.05%). This variant has not been reported in the literature in individuals affected with MYLK-related conditions. ClinVar contains an entry for this variant (Variation ID: 1030108). Advanced modeling of protein sequence and biophysical properties (such as structural, functional, and spatial information, amino acid conservation, physicochemical variation, residue mobility, and thermodynamic stability) performed at Invitae indicates that this missense variant is not expected to disrupt MYLK protein function with a negative predictive value of 95%. In summary, the available evidence is currently insufficient to determine the role of this variant in disease. Therefore, it has been classified as a Variant of Uncertain Significance.

Ambry Genetics
Classification: Uncertain significance for Familial thoracic aortic aneurysm and aortic dissection. Last evaluated: 2022-12-11. Review status: criteria provided, single submitter. Criteria: Ambry Variant Classification Scheme 2023. Collection method: clinical testing. Allele origin: germline.
Comment: The p.G1083E variant (also known as c.3248G>A), located in coding exon 15 of the MYLK gene, results from a G to A substitution at nucleotide position 3248. The glycine at codon 1083 is replaced by glutamic acid, an amino acid with similar properties. This amino acid position is conserved. In addition, this alteration is predicted to be tolerated by in silico analysis. Since supporting evidence is limited at this time, the clinical significance of this alteration remains unclear.

Fulgent Genetics
Classification: Uncertain significance for Megacystis-microcolon-intestinal hypoperistalsis syndrome 1; Aortic aneurysm, familial thoracic 7. Last evaluated: 2021-12-08. Review status: criteria provided, single submitter. Criteria: ACMG Guidelines, 2015. Collection method: clinical testing. Allele origin: unknown.

GeneDx
Classification: Uncertain significance. Last evaluated: 2020-01-29. Review status: criteria provided, single submitter. Criteria: GeneDx Variant Classification Process June 2021. Collection method: clinical testing. Allele origin: germline. Affected: yes.
Comment: Has not been previously published as pathogenic or benign to our knowledge; In silico analysis, which includes protein predictors and evolutionary conservation, supports that this variant does not alter protein structure/function

Baylor Genetics
Classification: Uncertain significance for Aortic aneurysm, familial thoracic 7. Last evaluated: 2019-02-18. Review status: criteria provided, single submitter. Criteria: ACMG Guidelines, 2015. Collection method: clinical testing. Allele origin: maternal. Affected: yes.
Comment: This variant was determined to be of uncertain significance according to ACMG Guidelines, 2015 [PMID:25741868].

NM_053025.4(MYLK):c.3248G>A (p.Gly1083Glu)

Gene: MYLK (myosin light chain kinase; minus strand). Cytogenetic location: 3q21.1.
Variant type: single nucleotide variant.
Coding change: c.3248G>A on transcript NM_053025.4 (MANE Select); coding-DNA position 3248, G replaced by A.
Protein change: p.Gly1083Glu; replaces glycine 1083 with glutamic acid.
Molecular consequence: missense variant.
Genome position (GRCh38, 1-based): chr3:123,700,220, C>T on the plus strand (G>A on the coding strand, the complement: MYLK is on the minus strand). VCF-style: chr3-123700220-C-T. GRCh37 (hg19) VCF-style: chr3-123419067-C-T.
Other names: c.2720G>A, p.Gly907Glu (NM_001321309.2); c.3041G>A, p.Gly1014Glu (NM_053026.4, NM_053028.4); c.3248G>A, p.Gly1083Glu (NM_053027.4); short protein forms G1083E, G907E, G1014E.
Identifiers: ClinVar variation 1030108 (VCV001030108.9), dbSNP rs762030142, ClinGen allele CA069496.